The following is an entry in ClinVar:

NM_000238.4(KCNH2):c.2889C>T (p.Pro963=)

Gene: KCNH2 (potassium voltage-gated channel subfamily H member 2; minus strand). Cytogenetic location: 7q36.1.
Variant type: single nucleotide variant.
Coding change: c.2889C>T on transcript NM_000238.4 (MANE Select); coding-DNA position 2889, C replaced by T.
Protein change: p.Pro963=; no amino-acid change (proline 963 retained).
Molecular consequence: synonymous variant.
Genome position (GRCh38, 1-based): chr7:150,947,682, G>A on the plus strand (C>T on the coding strand, the complement: KCNH2 is on the minus strand). VCF-style: chr7-150947682-G-A. GRCh37 (hg19) VCF-style: chr7-150644770-G-A.
Other names: c.1869C>T, p.Pro623= (NM_172057.3).
Identifiers: ClinVar variation 527119 (VCV000527119.17), dbSNP rs749814759, ClinGen allele CA035208.
Genomic context (GRCh38, chr7:150,947,682, plus strand): 5'-AGTGTCGCTGCTCTTCTCGCAGTCCTCCATCAGGGGCTCCCCACCCGGCGGCTCTCCGGG[G>A]GGCCTGGGGCTGGAGAAGGGCACCAGGCGGAGGGGGCTGGAGCTGCGGCCTGGGCCCTCA-3'
Protein context (NP_000229.1, residues 953-973): LRLVPFSSPR[Pro963=]PGEPPGGEPL

ClinVar aggregate classification (germline): Likely benign. Review status: criteria provided, multiple submitters, no conflicts (2 of 4 stars). 4 submissions from 4 submitters: Likely benign (4). Last evaluated 2025-08-22.

Conditions:
Long QT syndrome (LQTS). Identifiers: MedGen C0023976, MeSH D008133, MONDO:0002442. Disease mechanism: loss of function. Inheritance: Various modes of inheritance.
Cardiovascular phenotype. Identifiers: MedGen CN230736.
Cardiac arrhythmia. Also called: Cardiac rhythm disease; Arrhythmia. Identifiers: MedGen C0003811, MONDO:0007263, HP:0011675.

Allele frequency attached by ClinVar (database versions not stated): TOPMed 0.00001; gnomAD exomes 0.00003 and 0.00004; ExAC 0.00008.
gnomAD v4.1: 42 of 1,602,192 alleles (0.0026%); highest among the groups gnomAD compares: South Asian, 0.045%; no homozygotes.

Submissions (4):

Labcorp Genetics (formerly Invitae), Labcorp
Classification: Likely benign for Long QT syndrome. Last evaluated: 2025-08-22. Review status: criteria provided, single submitter. Criteria: Invitae Variant Classification Sherloc (09022015). Collection method: clinical testing. Allele origin: germline.

Ambry Genetics
Classification: Likely benign for Cardiovascular phenotype. Last evaluated: 2024-10-30. Review status: criteria provided, single submitter. Criteria: Ambry Variant Classification Scheme 2023. Collection method: clinical testing. Allele origin: germline.

All of Us Research Program, National Institutes of Health
Classification: Likely benign for Long QT syndrome. Last evaluated: 2023-11-20. Review status: criteria provided, single submitter. Criteria: ACMG Guidelines, 2015. Collection method: clinical testing. Allele origin: germline. Inheritance: Autosomal dominant inheritance. Observed: 2 variant alleles, 2 heterozygotes.
Comment: This study involves interpretation of variants in research participants for the purpose of population health screening. Participant phenotype was not available at the time of variant classification. Additional details can be found in publication PMID: 35346344, PMCID: PMC8962531

Color Diagnostics, LLC DBA Color Health
Classification: Likely benign for Arrhythmia. Last evaluated: 2019-02-08. Review status: criteria provided, single submitter. Criteria: ACMG Guidelines, 2015. Collection method: clinical testing. Allele origin: germline.